The following is an entry in ClinVar:

NM_001375524.1(TRRAP):c.10824G>A (p.Val3608=)

Gene: TRRAP (transformation/transcription domain associated protein; plus strand). Cytogenetic location: 7q22.1.
Variant type: single nucleotide variant.
Coding change: c.10824G>A on transcript NM_001375524.1 (MANE Select); coding-DNA position 10824, G replaced by A.
Protein change: p.Val3608=; no amino-acid change (valine 3608 retained).
Molecular consequence: synonymous variant.
Genome position (GRCh38, 1-based): chr7:99,008,447, G>A. VCF-style: chr7-99008447-G-A. GRCh37 (hg19) VCF-style: chr7-98606070-G-A.
Other names: c.10782G>A, p.Val3594= (NM_001244580.2); c.10695G>A, p.Val3565= (NM_003496.4).
Identifiers: ClinVar variation 3251034 (VCV003251034.18), dbSNP rs2485071917.

ClinVar aggregate classification (germline): Uncertain significance (1 of 4 stars; one submission).

Allele frequency attached by ClinVar (database versions not stated): gnomAD exomes below 0.00001.
gnomAD v4.1: 1 of 1,613,880 alleles (0.000062%); highest among the groups gnomAD compares: East Asian, 0.0022%; no homozygotes.

Submission:

CeGaT Center for Human Genetics Tuebingen
Classification: Uncertain significance. Last evaluated: 2024-06-01. Review status: criteria provided, single submitter. Criteria: CeGaT Center For Human Genetics Tuebingen Variant Classification Criteria Version 2. Collection method: clinical testing. Allele origin: germline. Affected: yes. Observed: 1 variant allele.
Comment: TRRAP: PM2, PP3